The following is an entry in ClinVar:

ClinVar aggregate classification (germline): Uncertain significance (1 of 4 stars; one submission).

Conditions:
NRP1-related disorder. Also called: NRP1-related condition.

Allele frequency attached by ClinVar (database versions not stated): gnomAD 0.00002.
gnomAD v4.1: 19 of 1,614,004 alleles (0.0012%); highest among the groups gnomAD compares: East Asian, 0.011%; no homozygotes.

Submission:

PreventionGenetics, part of Exact Sciences
Classification: Uncertain significance for NRP1-related condition. Last evaluated: 2022-09-21. Review status: criteria provided, single submitter. Criteria: ACMG Guidelines, 2015. Collection method: clinical testing. Allele origin: germline.
Comment: The NRP1 c.605G>C variant is predicted to result in the amino acid substitution p.Gly202Ala. To our knowledge, this variant has not been reported in the literature or in a large population database, indicating this variant is rare. At this time, the clinical significance of this variant is uncertain due to the absence of conclusive functional and genetic evidence.

NM_003873.7(NRP1):c.605G>C (p.Gly202Ala)

Gene: NRP1 (neuropilin 1; minus strand). Cytogenetic location: 10p11.22.
Variant type: single nucleotide variant.
Coding change: c.605G>C on transcript NM_003873.7 (MANE Select); coding-DNA position 605, G replaced by C.
Protein change: p.Gly202Ala; replaces glycine 202 with alanine.
Molecular consequence: missense variant. On other transcripts: non-coding transcript variant (1).
Genome position (GRCh38, 1-based): chr10:33,263,699, C>G on the plus strand (G>C on the coding strand, the complement: NRP1 is on the minus strand). VCF-style: chr10-33263699-C-G. GRCh37 (hg19) VCF-style: chr10-33552627-C-G.
Other names: c.605G>C, p.Gly202Ala (NM_001024628.3, NM_001024629.3, NM_001244972.2 and 2 more transcripts); short protein forms G202A.
Identifiers: ClinVar variation 2629207 (VCV002629207.1), dbSNP rs941004239, ClinGen allele CA205486370.
Genomic context (GRCh38, chr10:33,263,699, plus strand): 5'-TTCTTACCATCAGGGAATCCATCCCAGATTTCTAGCCGGTCGTAGCGACAGAACATCCCC[C>G]CTGGAGGATTTGAGTCAGGCTCCAGGTCAAAGCTTTCAAATTCCAGGATAATCTCTGACA-3'
Protein context (NP_003864.5, residues 192-212): FDLEPDSNPP[Gly202Ala]GMFCRYDRLE